The following is an entry in ClinVar:

ClinVar aggregate classification (germline): Likely benign. Review status: criteria provided, multiple submitters, no conflicts (2 of 4 stars). 4 submissions from 4 submitters: Likely benign (3). 1 of the submissions does not count toward it. Last evaluated 2025-12-02.

Conditions:
Cardiovascular phenotype. Identifiers: MedGen CN230736.
ABCC9-related disorder. Also called: ABCC9-related disorders; ABCC9-related condition.
Dilated cardiomyopathy 1O (CMD1O). Also called: CARDIOMYOPATHY, DILATED, WITH VENTRICULAR TACHYCARDIA. Identifiers: Orphanet 154, MedGen C1837839, MONDO:0012062, OMIM 608569.

Allele frequency attached by ClinVar (database versions not stated): TOPMed 0.00015; ExAC 0.00002; gnomAD 0.00010.
gnomAD v4.1: 45 of 1,607,814 alleles (0.0028%); highest among the groups gnomAD compares: African/African-American, 0.048%; no homozygotes.

Submissions (4):

Labcorp Genetics (formerly Invitae), Labcorp
Classification: Likely benign for Dilated cardiomyopathy 1O. Last evaluated: 2025-12-02. Review status: criteria provided, single submitter. Criteria: Invitae Variant Classification Sherloc (09022015). Collection method: clinical testing. Allele origin: germline.

Ambry Genetics
Classification: Likely benign for Cardiovascular phenotype. Last evaluated: 2020-01-17. Review status: criteria provided, single submitter. Criteria: Ambry Variant Classification Scheme 2023. Collection method: clinical testing. Allele origin: germline.

Laboratory for Molecular Medicine, Mass General Brigham Personalized Medicine
Classification: Likely benign. Last evaluated: 2015-03-23. Review status: criteria provided, single submitter. Criteria: LMM Criteria. Collection method: clinical testing. Allele origin: germline. Observed: 1 variant allele.
Comment: p.Ser284Ser in exon 6 of ABCC9: This variant is not expected to have clinical si gnificance because it does not alter an amino acid residue and is not located wi thin the splice consensus sequence. It has been identified in 3/10360 African ch romosomes by the Exome Aggregation Consortium (ExAC. org; dbSNP rs113562970).

PreventionGenetics, part of Exact Sciences
Classification: Likely benign for ABCC9-related condition. Last evaluated: 2019-06-12. Review status: no assertion criteria provided. Collection method: clinical testing. Allele origin: germline. Not counted in ClinVar's aggregate classification.
Comment: This variant is classified as likely benign based on ACMG/AMP sequence variant interpretation guidelines (Richards et al. 2015 PMID: 25741868, with internal and published modifications).

NM_020297.4(ABCC9):c.852T>A (p.Ser284=)

Gene: ABCC9 (ATP binding cassette subfamily C member 9; minus strand). Cytogenetic location: 12p12.1.
Variant type: single nucleotide variant.
Coding change: c.852T>A on transcript NM_020297.4 (MANE Select); coding-DNA position 852, T replaced by A.
Protein change: p.Ser284=; no amino-acid change (serine 284 retained).
Molecular consequence: synonymous variant. On other transcripts: 5 prime UTR variant (1).
Genome position (GRCh38, 1-based): chr12:21,913,031, A>T on the plus strand (T>A on the coding strand, the complement: ABCC9 is on the minus strand). VCF-style: chr12-21913031-A-T. GRCh37 (hg19) VCF-style: chr12-22065965-A-T.
Other names: c.852T>A, p.Ser284= (NM_001377273.1, NM_005691.4); c.-13T>A (NM_001377274.1); c.852T>A (NM_020297.3).
Identifiers: ClinVar variation 227164 (VCV000227164.16), dbSNP rs113562970, ClinGen allele CA6481785.